The following is an entry in ClinVar:

NM_005029.4(PITX3):c.640_656del (p.Ala214fs)

Genes: GBF1 (golgi brefeldin A resistant guanine nucleotide exchange factor 1; plus strand), PITX3 (paired like homeodomain 3; minus strand). Cytogenetic location: 10q24.32.
Variant type: Deletion.
Coding change: c.640_656del on transcript NM_005029.4 (MANE Select); coding-DNA positions 640 to 656, 17 bases deleted (GCCCTGCAGGGCCTGGG).
Protein change: p.Ala214fs; shifts the reading frame from alanine 214.
Molecular consequence: frameshift variant.
Genome position (GRCh38, 1-based): chr10:102,230,767-102,230,783, CCCAGGCCCTGCAGGGC deleted on the plus strand (GCCCTGCAGGGCCTGGG on the coding strand, the reverse complement: PITX3 is on the minus strand); deleting any 17 consecutive bases within chr10:102,230,767-102,230,794 gives the same sequence; the c. name uses the placement nearest the transcript's 3' end. VCF-style (leftmost placement, unchanged base first): chr10-102230766-GCCCAGGCCCTGCAGGGC-G. GRCh37 (hg19) VCF-style: chr10-103990523-GCCCAGGCCCTGCAGGGC-G.
Other names: c.640_656del (NM_005029.3); short protein forms A214fs.
Identifiers: ClinVar variation 468252 (VCV000468252.13), dbSNP rs1411557416, ClinGen allele CA595636987.

ClinVar aggregate classification (germline): Pathogenic/Likely pathogenic. Review status: criteria provided, multiple submitters, no conflicts (2 of 4 stars). 6 submissions from 6 submitters: Pathogenic (4); Likely pathogenic (2). Last evaluated 2026-08-20.

Conditions:
PITX3-related disorder. Also called: PITX3-related condition.
Anterior segment dysgenesis 1 (ASGD1). Identifiers: MedGen C4551992, MONDO:0007138, OMIM 107250.
Cataract 11 multiple types. Also called: Cataract 11. Identifiers: Orphanet 91492, MedGen C1864567, MONDO:0012527, OMIM 610623.

Submissions (6):

GeneDx
Classification: Pathogenic. Last evaluated: 2026-08-20. Review status: criteria provided, single submitter. Criteria: GeneDx Variant Classification Process June 2021. Collection method: clinical testing. Allele origin: germline.
Comment: Identified in heterozygous state in patients with congenital cataract or Peters anomaly in published literature, however, it is not known if the variant segregated with the disease in the families, and in some cases, additional genes were not analyzed (PMID: 30816539, 33304895); Published functional studies demonstrate a damaging effect due to reduced transactivation of target genes as compared to wild-type (PMID: 30816539); Frameshift variant predicted to result in abnormal protein length as the last 89 amino acid(s) are replaced with 41 different amino acid(s), and other similar variants have been reported in HGMD; This variant is associated with the following publications: (PMID: 21836522, 31130284, 29450879, 30894134, 33304895, 30816539, 37644014)

3billion
Classification: Pathogenic for Cataract 11 multiple types. Last evaluated: 2025-07-03. Review status: criteria provided, single submitter. Criteria: ACMG Guidelines, 2015. Collection method: clinical testing. Allele origin: germline. Affected: yes.
Comment: The variant is observed at an extremely low frequency in the gnomAD v4.1.0 dataset (total allele frequency: 0.004%). Predicted Consequence/Location: Frameshift: predicted to result in a loss or disruption of normal protein function through protein truncation. The predicted truncated protein may be shortened by more than 10%. The variant has been reported at least twice as pathogenic with clinical assertions and evidence for the classification (ClinVar ID: VCV000468252 /PMID: 21836522). Therefore, this variant is classified as Pathogenic according to the recommendation of ACMG/AMP guideline.

Labcorp Genetics (formerly Invitae), Labcorp
Classification: Likely pathogenic. Last evaluated: 2025-06-10. Review status: criteria provided, single submitter. Criteria: Invitae Variant Classification Sherloc (09022015). Collection method: clinical testing. Allele origin: germline.
Comment: This sequence change creates a premature translational stop signal (p.Ala214Argfs*42) in the PITX3 gene. While this is not anticipated to result in nonsense mediated decay, it is expected to disrupt the last 89 amino acid(s) of the PITX3 protein. This variant is present in population databases (no rsID available, gnomAD 0.01%). This premature translational stop signal has been observed in individuals with congenital cataracts and/or Peter's anomalies (PMID: 30816539, 31848469, 32830442, 33923544; internal data). ClinVar contains an entry for this variant (Variation ID: 468252). Algorithms developed to predict the effect of variants on gene product structure and function are not available or were not evaluated for this variant. Experimental studies have shown that this premature translational stop signal affects PITX3 function (PMID: 30816539). In summary, the currently available evidence indicates that the variant is pathogenic, but additional data are needed to prove that conclusively. Therefore, this variant has been classified as Likely Pathogenic.

Blueprint Genetics
Classification: Pathogenic for PITX3-related disorders. Last evaluated: 2024-08-19. Review status: criteria provided, single submitter. Criteria: ACMG Guidelines, 2015. Collection method: clinical testing. Allele origin: germline. Affected: yes. Observed: 5 variant alleles.

Baylor Genetics
Classification: Likely pathogenic for Cataract 11 multiple types. Last evaluated: 2024-01-19. Review status: criteria provided, single submitter. Criteria: ACMG Guidelines, 2015. Collection method: clinical testing. Allele origin: unknown.

Victorian Clinical Genetics Services, Murdoch Childrens Research Institute
Classification: Pathogenic for Anterior segment dysgenesis 1. Last evaluated: 2022-03-31. Review status: criteria provided, single submitter. Criteria: ACMG Guidelines, 2015. Collection method: clinical testing. Allele origin: germline.
Comment: Based on the classification scheme VCGS_Germline_v1.3.4, this variant is classified as Pathogenic. Following criteria are met: 0102 - Loss of function is a known mechanism of disease in this gene and is associated with PITX3-related anterior segment dysgenesis and cataracts. (I) 0108 - This gene is associated with both recessive and dominant disease. This gene has mostly been associated with dominant disease, although rare cases of recessive inheritance have been reported, with homozygous individuals having a more severe phenotype (PMID: 21836522, PMID: 30816539, PMID: 29405783). (I) 0112 - The condition associated with this gene has incomplete penetrance (PMID: 30816539). (I) 0115 - Variants in this gene are known to have variable expressivity. A wide range of interfamilial and intrafamilial phenotypic variability has been reported. (PMID: 29405783). (I) 0205 - Variant is predicted to result in a truncated protein (premature termination codon is NOT located at least 54 nucleotides upstream of the final exon-exon junction) with less than 1/3 of the protein sequence affected. (SP) 0251 - This variant is heterozygous. (I) 0302 - Variant is present in gnomAD (v2) <0.001 (8 heterozygotes, 0 homozygotes). (SP) 0600 - Variant is predicted to lose the OAR domain. The majority of reported pathogenic variants in PITX3 are predicted to result in the disruption of the OAR domain (PMID: 30894134). (I) 0702 - Other variants predicted to result in a truncated protein comparable to the one identified in this case have strong previous evidence for pathogenicity (ClinVar, PMID: 32830442). (SP) 0801 - This variant has strong previous evidence of pathogenicity in unrelated individuals. The variant has been previously reported in a homozygous patient with anterior segment dysgenesis and microphthalmia (PMID: 21836522) and heterozygous in at least four unrelated patients with congenital cataracts or Peters Anomaly (PMID: 30816539, PMID: 31848469, PMID: 33923544, PMID: 33304895). This variant has also been reported as a VUS in ClinVar. (SP) 1002 - This variant has moderate functional evidence supporting abnormal protein function. Functional studies indicated that the mutant protein retained a nuclear localisation pattern but resulted in decreased transactivation activity (PMID: 30816539). (I) Legend: (SP) - Supporting pathogenic, (I) - Information, (SB) - Supporting benign

Literature cited by the submitters: PubMed 21836522 (cited by 3billion and Victorian Clinical Genetics Services, Murdoch Childrens Research Institute); PubMed 30816539 (cited by Labcorp Genetics (formerly Invitae), Labcorp and Victorian Clinical Genetics Services, Murdoch Childrens Research Institute); PubMed 31848469 (cited by Labcorp Genetics (formerly Invitae), Labcorp and Victorian Clinical Genetics Services, Murdoch Childrens Research Institute); PubMed 32830442 (cited by Labcorp Genetics (formerly Invitae), Labcorp and Victorian Clinical Genetics Services, Murdoch Childrens Research Institute); PubMed 33923544 (cited by Labcorp Genetics (formerly Invitae), Labcorp and Victorian Clinical Genetics Services, Murdoch Childrens Research Institute); PubMed 29405783 (cited by Victorian Clinical Genetics Services, Murdoch Childrens Research Institute); PubMed 30894134 (cited by Victorian Clinical Genetics Services, Murdoch Childrens Research Institute); PubMed 33304895 (cited by Victorian Clinical Genetics Services, Murdoch Childrens Research Institute).